The following is an entry in ClinVar:

NM_000492.4(CFTR):c.224G>T (p.Arg75Leu)

Gene: CFTR (CF transmembrane conductance regulator; plus strand). Cytogenetic location: 7q31.2.
Variant type: single nucleotide variant.
Coding change: c.224G>T on transcript NM_000492.4 (MANE Select); coding-DNA position 224, G replaced by T.
Protein change: p.Arg75Leu; replaces arginine 75 with leucine.
Molecular consequence: missense variant.
Genome position (GRCh38, 1-based): chr7:117,509,093, G>T. VCF-style: chr7-117509093-G-T. GRCh37 (hg19) VCF-style: chr7-117149147-G-T.
Other names: p.Arg75Leu; short protein forms R75L.
Identifiers: ClinVar variation 53461 (VCV000053461.22), dbSNP rs1800076, ClinGen allele CA326776.

ClinVar aggregate classification (germline): Uncertain significance. Review status: criteria provided, multiple submitters, no conflicts (2 of 4 stars). 7 submissions from 7 submitters: Uncertain significance (6). 1 of the submissions does not count toward it. Last evaluated 2025-08-12.

Conditions:
Cystic fibrosis (CF). Also called: MUCOVISCIDOSIS. Identifiers: Orphanet 586, MedGen C0010674, MONDO:0009061, OMIM 219700. Disease mechanism: loss of function.

Allele frequency attached by ClinVar (database versions not stated): TOPMed 0.00004.
gnomAD v4.1: 21 of 1,612,264 alleles (0.0013%); highest among the groups gnomAD compares: African/African-American, 0.008%; no homozygotes.

Submissions (7):

Women's Health and Genetics/Laboratory Corporation of America, LabCorp
Classification: Uncertain significance. Last evaluated: 2025-08-12. Review status: criteria provided, single submitter. Criteria: LabCorp Variant Classification Summary - May 2015. Collection method: clinical testing. Allele origin: germline.
Comment: Variant summary: CFTR c.224G>T (p.Arg75Leu) results in a non-conservative amino acid change in the encoded protein sequence. Five of five in-silico tools predict a damaging effect of the variant on protein function. Consensus agreement among computation tools predict no significant impact on normal splicing. However, further in silico analysis focusing on splicing factor binding sites revealed loss of binding site for SF2/ASF and disruption of two 9G8-binding motifs (Aissat_2013). The same study reporting a mini gene assay demonstrated the variant to result in a 37% increase in exon 3 skipping. The variant allele was found at a frequency of 8e-06 in 250966 control chromosomes (gnomAD). c.224G>T has been reported in the literature in individuals affected with Congenital Bilateral Absence of the Vas Deferens along with DeltaF508 (Mercier_1995, DeBraekeleer_1996, Chillon_1995, Gallati_2009, Steiner_2011) and in one case of Cystic Fibrosis without a second allele reported (Kanavakis_2003). These data indicate that the variant may be associated with disease. The most pronounced variant effect resulted in approximately 46% of normal chloride channel conductance relative to wild type (e.g., Bihler_2024). The following publications have been ascertained in the context of this evaluation (PMID: 23420618, 38388235, 7739684, 9239681, 20021716, 12752573, 7529962, 21520337, 38324470, 34996830). ClinVar contains an entry for this variant (Variation ID: 53461). Based on the evidence outlined above, the variant was classified as VUS-possibly pathogenic.

Ambry Genetics
Classification: Uncertain significance for Cystic fibrosis. Last evaluated: 2025-06-06. Review status: criteria provided, single submitter. Criteria: Ambry Variant Classification Scheme 2023. Collection method: clinical testing. Allele origin: germline.
Comment: The p.R75L variant (also known as c.224G>T), located in coding exon 3 of the CFTR gene, results from a G to T substitution at nucleotide position 224. The arginine at codon 75 is replaced by leucine, an amino acid with dissimilar properties. This variant has been detected in conjunction with p.F508del in an individual diagnosed with congenital bilateral absence of the vas deferens (CBAVD) (Mercier B et al. Am J Hum Genet, 1995 Jan;56:272-7; Chill&oacute;n M et al. N Engl J Med, 1995 Jun;332:1475-80; Steiner B et al. Hum Mutat, 2011 Aug;32:912-20). This alteration was also reported in additional individuals with CBAVD or cystic fibrosis; however, it is unknown whether these individuals had a second CFTR alteration (Kanavakis E et al. Clin Genet, 2003 May;63:400-9; Gallati S et al. Reprod Biomed Online, 2009 Nov;19:685-94; Akin Y et al. Andrologia, 2014 Mar;46:198-9). Minigene assay in different cell lines showed that the variant increases skipping of exon 3 (Aissat A et al. Hum Mutat, 2013 Jun;34:873-81). This amino acid position is highly conserved in available vertebrate species. In addition, this alteration is predicted to be deleterious by in silico analysis. Based on the available evidence, the clinical significance of this variant remains unclear.

ARUP Laboratories, Molecular Genetics and Genomics, ARUP Laboratories
Classification: Uncertain significance. Last evaluated: 2023-05-09. Review status: criteria provided, single submitter. Criteria: ARUP Molecular Germline Variant Investigation Process 2024. Collection method: clinical testing. Allele origin: germline.
Comment: The CFTR c.224G>T; p.Arg75Leu variant (rs1800076) is reported in the literature in the compound heterozygous state in individuals affected with congenital absence of the vas deferens (Chillon 1995,Costes 1995, De Braekeleer 1996, Mercier 1996, Steiner 2011). This variant is also reported in ClinVar (Variation ID: 53461), and is only observed on three alleles in the Genome Aggregation Database, indicating it is not a common polymorphism. Computational analyses predict that this variant is deleterious (REVEL: 0.915). Due to limited information, the clinical significance of this variant is uncertain at this time. References: Chillon M et al. Mutations in the cystic fibrosis gene in patients with congenital absence of the vas deferens. N Engl J Med. 1995 Jun 1;332(22):1475-80. PMID: 7739684. Costes B et al. Frequent occurrence of the CFTR intron 8 (TG)n 5T allele in men with congenital bilateral absence of the vas deferens. Eur J Hum Genet. 1995;3(5):285-93. PMID: 8556303. De Braekeleer M et al. Mutations in the cystic fibrosis gene in men with congenital bilateral absence of the vas deferens. Mol Hum Reprod. 1996 Sep;2(9):669-77. PMID: 9239681. Mercier B et al. Is congenital bilateral absence of vas deferens a primary form of cystic fibrosis? Analyses of the CFTR gene in 67 patients. Am J Hum Genet. 1995 Jan;56(1):272-7. PMID: 7529962. Steiner B et al. Common CFTR haplotypes and susceptibility to chronic pancreatitis and congenital bilateral absence of the vas deferens. Hum Mutat. 2011 Aug;32(8):912-20. PMID: 21520337.

Johns Hopkins Genomics, Johns Hopkins University
Classification: Uncertain significance for Cystic fibrosis. Last evaluated: 2022-04-04. Review status: criteria provided, single submitter. Criteria: ACMG Guidelines, 2015. Collection method: clinical testing. Allele origin: germline.

Mayo Clinic Laboratories, Mayo Clinic
Classification: Uncertain significance. Last evaluated: 2021-11-29. Review status: criteria provided, single submitter. Criteria: ACMG Guidelines, 2015. Collection method: clinical testing. Allele origin: germline.

Labcorp Genetics (formerly Invitae), Labcorp
Classification: Uncertain significance for Cystic fibrosis. Last evaluated: 2021-09-02. Review status: criteria provided, single submitter. Criteria: Invitae Variant Classification Sherloc (09022015). Collection method: clinical testing. Allele origin: germline.
Comment: This sequence change replaces arginine with leucine at codon 75 of the CFTR protein (p.Arg75Leu). The arginine residue is moderately conserved and there is a moderate physicochemical difference between arginine and leucine. This variant is present in population databases (rs1800076, ExAC 0.01%). This missense change has been observed in individuals with congenital bilateral absence of the vas deferens (PMID: 7739684, 8556303). ClinVar contains an entry for this variant (Variation ID: 53461). Algorithms developed to predict the effect of missense changes on protein structure and function are either unavailable or do not agree on the potential impact of this missense change (SIFT: "Deleterious"; PolyPhen-2: "Benign"; Align-GVGD: "Class C0"). In summary, the available evidence is currently insufficient to determine the role of this variant in disease. Therefore, it has been classified as a Variant of Uncertain Significance.

ClinVar Staff, National Center for Biotechnology Information (NCBI)
No classification provided. Condition: CFTR-related disorders. Review status: no classification provided. Collection method: literature only. Allele origin: germline. Affected: yes. Not counted in ClinVar's aggregate classification.

Literature cited by the submitters: PubMed 7529962 (cited by 3 submitters); PubMed 9239681 (cited by Women's Health and Genetics/Laboratory Corporation of America, LabCorp); PubMed 7739684 (cited by 4 submitters); PubMed 12752573 (cited by 3 submitters); PubMed 20021716 (cited by Women's Health and Genetics/Laboratory Corporation of America, LabCorp and Ambry Genetics); PubMed 21520337 (cited by Women's Health and Genetics/Laboratory Corporation of America, LabCorp and Ambry Genetics); PubMed 23420618 (cited by 3 submitters); PubMed 34996830 (cited by 3 submitters); PubMed 38388235 (cited by Women's Health and Genetics/Laboratory Corporation of America, LabCorp); PubMed 38324470 (cited by Women's Health and Genetics/Laboratory Corporation of America, LabCorp); PubMed 23240968 (cited by Ambry Genetics); PubMed 8556303 (cited by Johns Hopkins Genomics, Johns Hopkins University and Labcorp Genetics (formerly Invitae), Labcorp).